The following is an entry in ClinVar:

ClinVar aggregate classification (germline): Pathogenic (1 of 4 stars; one submission).

Conditions:
Intellectual developmental disorder, autosomal dominant 6, with or without seizures. Also called: Intellectual disability, autosomal dominant 6; GRIN2B-related developmental delay, intellectual disability and autism spectrum disorder. Identifiers: Orphanet 589547, MedGen C3151411, MONDO:0013509, OMIM 613970.

Submission:

Institute of Human Genetics, University of Leipzig Medical Center
Classification: Pathogenic for Intellectual developmental disorder, autosomal dominant 6, with or without seizures. Last evaluated: 2026-03-02. Review status: criteria provided, single submitter. Criteria: ACMG Guidelines, 2015. Collection method: clinical testing. Allele origin: unknown. Inheritance: Autosomal dominant inheritance. Affected: yes.
Comment: Criteria applied: PVS1,PM2

NM_000834.5(GRIN2B):c.660del (p.Lys221fs)

Gene: GRIN2B (glutamate ionotropic receptor NMDA type subunit 2B; minus strand). Cytogenetic location: 12p13.1.
Variant type: Deletion.
Coding change: c.660del on transcript NM_000834.5 (MANE Select); coding-DNA position 660, one base deleted (C; older notation c.660delC).
Protein change: p.Lys221fs; shifts the reading frame from lysine 221.
Molecular consequence: frameshift variant.
Genome position (GRCh38, 1-based): chr12:13,753,667, G deleted on the plus strand (C on the coding strand, the reverse complement: GRIN2B is on the minus strand). VCF-style (leftmost placement, unchanged base first): chr12-13753666-TG-T. GRCh37 (hg19) VCF-style: chr12-13906600-TG-T.
Other names: c.660del, p.Lys221fs (NM_001413992.1, NM_001413993.1, NM_001413994.1 and 1 more transcripts); short protein forms K221fs.
Identifiers: ClinVar variation 4845376 (VCV004845376.1).